The following is an entry in ClinVar:

NM_018238.4(AGK):c.80A>G (p.His27Arg)

Gene: AGK (acylglycerol kinase; plus strand). Cytogenetic location: 7q34.
Variant type: single nucleotide variant.
Coding change: c.80A>G on transcript NM_018238.4 (MANE Select); coding-DNA position 80, A replaced by G.
Protein change: p.His27Arg; replaces histidine 27 with arginine.
Molecular consequence: missense variant.
Genome position (GRCh38, 1-based): chr7:141,555,546, A>G. VCF-style: chr7-141555546-A-G. GRCh37 (hg19) VCF-style: chr7-141255346-A-G.
Other names: c.80A>G, p.His27Arg (NM_001364948.3); short protein forms H27R.
Identifiers: ClinVar variation 2160398 (VCV002160398.4), dbSNP rs768714970, ClinGen allele CA369602505.

ClinVar aggregate classification (germline): Uncertain significance (1 of 4 stars; one submission).

Conditions:
Cataract 38. Also called: Cataract, autosomal recessive congenital 5; Cataract 38, autosomal recessive. Identifiers: Orphanet 91492, MedGen C3553494, MONDO:0013859, OMIM 614691.
Sengers syndrome. Also called: MITOCHONDRIAL DNA DEPLETION SYNDROME 10 (CARDIOMYOPATHIC TYPE); Cardiomyopathy and cataract. Identifiers: Orphanet 1369, MedGen C1859317, MONDO:0008922, OMIM 212350.

Allele frequency attached by ClinVar (database versions not stated): TOPMed below 0.00001.
gnomAD v4.1: 2 of 1,613,860 alleles (0.00012%); no homozygotes.

Submission:

Labcorp Genetics (formerly Invitae), Labcorp
Classification: Uncertain significance for Sengers syndrome; Cataract 38. Last evaluated: 2022-07-01. Review status: criteria provided, single submitter. Criteria: Invitae Variant Classification Sherloc (09022015). Collection method: clinical testing. Allele origin: germline.
Comment: This sequence change replaces histidine, which is basic and polar, with arginine, which is basic and polar, at codon 27 of the AGK protein (p.His27Arg). This variant is not present in population databases (gnomAD no frequency). This variant has not been reported in the literature in individuals affected with AGK-related conditions. In summary, the available evidence is currently insufficient to determine the role of this variant in disease. Therefore, it has been classified as a Variant of Uncertain Significance. Algorithms developed to predict the effect of missense changes on protein structure and function (SIFT, PolyPhen-2, Align-GVGD) all suggest that this variant is likely to be tolerated.